The following is an entry in ClinVar:

ClinVar aggregate classification (germline): Pathogenic. Review status: reviewed by expert panel (3 of 4 stars). 32 submissions from 32 submitters: Pathogenic (1). 31 of the submissions do not count toward it. Last evaluated 2013-09-05.

Conditions:
Lynch syndrome 5 (LYNCH5). Also called: Hereditary non-polyposis colorectal cancer, type 5; Colorectal cancer, hereditary nonpolyposis, type 5. Identifiers: Orphanet 144, MedGen C1833477, MONDO:0013710, OMIM 614350. Disease mechanism: loss of function.
Endometrial carcinoma. Also called: Endometrial carcinoma, somatic. Identifiers: MedGen C0476089, MONDO:0002447, OMIM 608089, HP:0012114.
MSH6-related disorder. Also called: MSH6-related condition; MSH6-Related disorders.
Hereditary nonpolyposis colon cancer (HNPCC). Also called: Hereditary nonpolyposis colorectal cancer; Familial nonpolyposis colon cancer; Hereditary Nonpolyposis Colorectal Cancer Syndrome. Identifiers: Orphanet 443909, MedGen C1333990, MONDO:0018630. Disease mechanism: loss of function.
Gastric cancer. Also called: Stomach cancer; Malignant tumor of stomach. Identifiers: MedGen C0024623, MeSH D013274, MONDO:0001056, OMIM 613659, HP:0012126.
Hereditary cancer-predisposing syndrome. Also called: Hereditary neoplastic syndrome; Hereditary Cancer Syndrome; Neoplastic Syndromes, Hereditary; Tumor predisposition. Identifiers: Orphanet 140162, MedGen C0027672, MeSH D009386, MONDO:0015356.
Mismatch repair cancer syndrome 3. Identifiers: MedGen C5436807, MONDO:0030841, OMIM 619097.
Lynch syndrome. Identifiers: Orphanet 144, MedGen C4552100, MONDO:0005835. Disease mechanism: loss of function.
Inherited MMR deficiency (Lynch syndrome).
Hereditary nonpolyposis colorectal neoplasms. Identifiers: MedGen C0009405, MeSH D003123.

Allele frequency attached by ClinVar (database versions not stated): TOPMed below 0.00001; ExAC 0.00001; gnomAD exomes 0.00001.

Submissions 1 to 11 of 33:

International Society for Gastrointestinal Hereditary Tumours (InSiGHT)
Classification: Pathogenic for Lynch Syndrome. Last evaluated: 2013-09-05. Review status: reviewed by expert panel. Criteria: Guidelines v1.9. Collection method: research. Allele origin: germline.
Comment: Coding sequence variation resulting in a stop codon

Classified with v1.9 guidelines

Cambridge Genomics Laboratory, East Genomic Laboratory Hub, NHS Genomic Medicine Service
Classification: Pathogenic for Inherited MMR deficiency (Lynch syndrome). Last evaluated: 2026-09-10. Review status: criteria provided, single submitter. Criteria: ACGS Best Practice Guidelines for Variant Classification in Rare Disease 2020. Collection method: clinical testing. Allele origin: germline. Affected: yes. Not counted in ClinVar's aggregate classification.
Comment: PVS1,PM2_Supporting,PM5_Supporting

Genetics Laboratory, Great Ormond Street Hospital NHS Foundation Trust, North Thames Genomic Laboratory Hub
Classification: Pathogenic for Inherited MMR deficiency (Lynch syndrome). Last evaluated: 2026-09-02. Review status: criteria provided, single submitter. Criteria: CanVIG MMR Gene Specific V1.7. Collection method: clinical testing. Allele origin: germline. Affected: yes. Not counted in ClinVar's aggregate classification.
Comment: PS4_very-strong, PM2_supporting, PVS1_very-strong, PP4_supporting

Labcorp Genetics (formerly Invitae), Labcorp
Classification: Pathogenic for Hereditary nonpolyposis colorectal neoplasms. Last evaluated: 2026-01-26. Review status: criteria provided, single submitter. Criteria: Invitae Variant Classification Sherloc (09022015). Collection method: clinical testing. Allele origin: germline. Not counted in ClinVar's aggregate classification.
Comment: This sequence change creates a premature translational stop signal (p.Arg1035*) in the MSH6 gene. It is expected to result in an absent or disrupted protein product. Loss-of-function variants in MSH6 are known to be pathogenic (PMID: 18269114, 24362816). This variant is present in population databases (rs63749999, gnomAD 0.002%). This premature translational stop signal has been observed in individuals with clinical features of Lynch syndrome (PMID: 15236168, 15483016, 22006311, 23047549). Invitae Evidence Modeling of clinical and family history, age, sex, and reported ancestry of multiple individuals with this MSH6 variant has been performed. This variant is expected to be pathogenic with a positive predictive value of at least 99%. This is a validated machine learning model that incorporates the clinical features of 1,627,235 individuals referred to our laboratory for MSH6 testing. ClinVar contains an entry for this variant (Variation ID: 89338). For these reasons, this variant has been classified as Pathogenic.

Institute of Human Genetics, FAU Erlangen, Friedrich-Alexander-Universität Erlangen-Nürnberg
Classification: Pathogenic for Lynch syndrome 5. Last evaluated: 2025-10-16. Review status: criteria provided, single submitter. Criteria: Hauer et al. (Genet Med. 2018). Collection method: clinical testing. Allele origin: germline. Inheritance: Unknown mechanism. Affected: yes. Observed: 1 variant allele. Not counted in ClinVar's aggregate classification.
Comment: This variant has been identified by standard clinical testing.

Dasa
Classification: Pathogenic. Last evaluated: 2025-07-31. Review status: criteria provided, single submitter. Criteria: DASA Assertion Criteria. Collection method: clinical testing. Allele origin: germline. Not counted in ClinVar's aggregate classification.
Comment: NM_000179.3(MSH6):c.3103C>T (p.Arg1035Ter) introduces a premature termination codon predicted to result in loss of normal protein function. Loss-of-function is an established mechanism of disease for this gene. This variant has been observed in affected individuals with related phenotype in a genotype context consistent with recessive disease (PMID: 22006311; PMID: 30147880). This variant has been recurrently observed in individuals with related phenotype (PMID: 22006311; PMID: 30147880). The variant is present at low frequency in population datasets. Based on the available data, this variant is classified as pathogenic.

Molecular Pathology, Peter Maccallum Cancer Centre
Classification: Pathogenic for Lynch syndrome 5. Last evaluated: 2025-06-12. Review status: criteria provided, single submitter. Criteria: ACMG Guidelines, 2015. Collection method: clinical testing. Allele origin: germline. Inheritance: Autosomal dominant inheritance. Not counted in ClinVar's aggregate classification.

Ambry Genetics
Classification: Pathogenic for Hereditary cancer-predisposing syndrome. Last evaluated: 2025-03-31. Review status: criteria provided, single submitter. Criteria: Ambry Variant Classification Scheme 2023. Collection method: clinical testing. Allele origin: germline. Not counted in ClinVar's aggregate classification.
Comment: The p.R1035* pathogenic mutation (also known as c.3103C>T), located in coding exon 4 of the MSH6 gene, results from a C to T substitution at nucleotide position 3103. This changes the amino acid from an arginine to a stop codon within coding exon 4. This mutation has been detected in multiple individuals diagnosed with endometrial cancer whose family histories were suspicious for Lynch syndrome (Planck M et al. Int. J. Cancer 1999 Oct;83(2):197-202; Hendriks YM et al. Gastroenterology 2004 Jul;127(1):17-25; Devlin LA et al. Ulster Med. J. 2008 Jan;77(1):25-30). This mutation was also reported in an individual diagnosed with colon cancer with a tumor exhibiting high microsatellite instability and absent MSH6 expression on IHC (Walsh T et al. Proc. Natl. Acad. Sci. U.S.A. 2011 Nov;108(44):18032-7). In addition to the clinical data presented in the literature, this alteration is expected to result in loss of function by premature protein truncation or nonsense-mediated mRNA decay. As such, this alteration is interpreted as a disease-causing mutation.

Department of Clinical Genetics, Copenhagen University Hospital, Rigshospitalet
Classification: Pathogenic for Lynch syndrome. Last evaluated: 2025-02-04. Review status: criteria provided, single submitter. Criteria: ACMG Guidelines, 2015. Collection method: clinical testing. Allele origin: germline. Not counted in ClinVar's aggregate classification.
Comment: PVS1; PP4_MOD

Hema, HEMA – Genetic and Molecular Diagnostic Laboratory
Classification: Pathogenic for Lynch syndrome. Last evaluated: 2024-12-30. Review status: criteria provided, single submitter. Criteria: HEMA Variant Classification Assertion Criteria. Collection method: clinical testing. Allele origin: germline. Not counted in ClinVar's aggregate classification.
Comment: The c.3103C>T p.(Arg1035*) variant is a transition from cytosine to thymine that results in a premature stop codon at codon 1035 of MSH6. PVS1: Null variant (nonsense) in a gene for which loss of function is a known disease mechanism. It is a nonsense variant that introduces a premature stop codon in exon 4/10, which is predicted to lead to nonsense-mediated decay (NMD) of the transcript. PM2_Supporting: Present at very low frequency in the gnomAD database. PM3: The variant has been reported in the heterozygous state with a pathogenic variant in an individual with constitutional mismatch repair deficiency syndrome (PMID: 30147880). PP4: The variant has been detected in an endometrial tumor with MSI-H (PMID: 10471527).

Baylor Genetics
Classification: Pathogenic for Endometrial carcinoma. Last evaluated: 2024-02-03. Review status: criteria provided, single submitter. Criteria: ACMG Guidelines, 2015. Collection method: clinical testing. Allele origin: unknown. Not counted in ClinVar's aggregate classification.

NM_000179.3(MSH6):c.3103C>T (p.Arg1035Ter)

Gene: MSH6 (mutS homolog 6; plus strand). Cytogenetic location: 2p16.3.
Variant type: single nucleotide variant.
Coding change: c.3103C>T on transcript NM_000179.3 (MANE Select); coding-DNA position 3103, C replaced by T.
Protein change: p.Arg1035Ter; replaces arginine 1035 with a stop codon.
Molecular consequence: nonsense.
Genome position (GRCh38, 1-based): chr2:47,801,086, C>T. VCF-style: chr2-47801086-C-T. GRCh37 (hg19) VCF-style: chr2-48028225-C-T.
Other names: c.2713C>T, p.Arg905Ter (NM_001281492.2); c.2197C>T, p.Arg733Ter (NM_001281493.2, NM_001281494.2); short protein forms R1035*, R733*, R905*.
Identifiers: ClinVar variation 89338 (VCV000089338.68), dbSNP rs63749999, ClinGen allele CA011558.